The following is an entry in ClinVar:

ClinVar aggregate classification (germline): Uncertain significance (1 of 4 stars; one submission).

Submission:

Labcorp Genetics (formerly Invitae), Labcorp
Classification: Uncertain significance. Last evaluated: 2022-01-17. Review status: criteria provided, single submitter. Criteria: Invitae Variant Classification Sherloc (09022015). Collection method: clinical testing. Allele origin: germline.
Comment: This variant is not present in population databases (gnomAD no frequency). This sequence change replaces serine, which is neutral and polar, with leucine, which is neutral and non-polar, at codon 362 of the TYMP protein (p.Ser362Leu). This variant has not been reported in the literature in individuals affected with TYMP-related conditions. In summary, the available evidence is currently insufficient to determine the role of this variant in disease. Therefore, it has been classified as a Variant of Uncertain Significance. Algorithms developed to predict the effect of missense changes on protein structure and function are either unavailable or do not agree on the potential impact of this missense change (SIFT: "Deleterious"; PolyPhen-2: "Possibly Damaging"; Align-GVGD: "Class C0").

NM_001953.5(TYMP):c.1085C>T (p.Ser362Leu)

Genes: SCO2 (synthesis of cytochrome C oxidase 2; minus strand), TYMP (thymidine phosphorylase; minus strand), LOC130067862 (ATAC-STARR-seq lymphoblastoid silent region 13986; plus strand). Cytogenetic location: 22q13.33.
Variant type: single nucleotide variant.
Coding change: c.1085C>T on transcript NM_001953.5 (MANE Select); coding-DNA position 1085, C replaced by T.
Protein change: p.Ser362Leu; replaces serine 362 with leucine.
Molecular consequence: missense variant. On other transcripts: 5 prime UTR variant (1).
Genome position (GRCh38, 1-based): chr22:50,526,320, G>A on the plus strand (C>T on the coding strand, the complement: TYMP is on the minus strand). VCF-style: chr22-50526320-G-A. GRCh37 (hg19) VCF-style: chr22-50964749-G-A.
Other names: c.1085C>T, p.Ser362Leu (NM_001113755.3, NM_001113756.3, NM_001257988.1 and 1 more transcripts); c.-88C>T (NM_001169109.2); short protein forms S362L.
Identifiers: ClinVar variation 2086738 (VCV002086738.4), dbSNP rs1603441843, ClinGen allele CA412197599.